The following is an entry in ClinVar:

NM_001145809.2(MYH14):c.5723G>A (p.Arg1908Gln)

Gene: MYH14 (myosin heavy chain 14; plus strand). Cytogenetic location: 19q13.33.
Variant type: single nucleotide variant.
Coding change: c.5723G>A on transcript NM_001145809.2 (MANE Select); coding-DNA position 5723, G replaced by A.
Protein change: p.Arg1908Gln; replaces arginine 1908 with glutamine.
Molecular consequence: missense variant.
Genome position (GRCh38, 1-based): chr19:50,307,093, G>A. VCF-style: chr19-50307093-G-A. GRCh37 (hg19) VCF-style: chr19-50810350-G-A.
Other names: c.5624G>A, p.Arg1875Gln (NM_001077186.2); c.5600G>A, p.Arg1867Gln (NM_024729.4); short protein forms R1875Q, R1908Q, R1867Q.
Identifiers: ClinVar variation 3157003 (VCV003157003.2), dbSNP rs542294850, ClinGen allele CA309596898.
Genomic context (GRCh38, chr19:50,307,093, plus strand): 5'-TCATCCCTCTCTTCAGAGAGCGCATCCTCTCTGGAAAGCTGGTGCGCAGAGCTGAGAAGC[G>A]GCTTAAAGAGGTGGTGCTCCAGGTGGAGGAGGAGCGGAGGGTGGCTGACCAGCTCCGGGA-3'
Protein context (NP_001139281.1, residues 1898-1918): SGKLVRRAEK[Arg1908Gln]LKEVVLQVEE

ClinVar aggregate classification (germline): Uncertain significance. Review status: criteria provided, multiple submitters, no conflicts (2 of 4 stars). 2 submissions from 2 submitters: Uncertain significance (2). Last evaluated 2024-09-16.

Conditions:
Inborn genetic diseases. Identifiers: MedGen C0950123, MeSH D030342.

Allele frequency attached by ClinVar (database versions not stated): gnomAD exomes 0.00001; TOPMed 0.00003; gnomAD 0.00004; 1000 Genomes Project 0.00020; 1000 Genomes Project 30x 0.00031.
gnomAD v4.1: 27 of 1,551,012 alleles (0.0017%); highest among the groups gnomAD compares: Admixed American, 0.012%; no homozygotes.

Submissions (2):

GeneDx
Classification: Uncertain significance. Last evaluated: 2024-09-16. Review status: criteria provided, single submitter. Criteria: GeneDx Variant Classification Process June 2021. Collection method: clinical testing. Allele origin: germline. Affected: yes.
Comment: In silico analysis indicates that this missense variant does not alter protein structure/function; Has not been previously published as pathogenic or benign to our knowledge

Ambry Genetics
Classification: Uncertain significance for Inborn genetic diseases. Last evaluated: 2023-12-20. Review status: criteria provided, single submitter. Criteria: Ambry Variant Classification Scheme 2023. Collection method: clinical testing. Allele origin: germline.